The following is an entry in ClinVar:

NM_006767.4(LZTR1):c.2160_2161insA (p.Glu721fs)

Gene: LZTR1 (leucine zipper like post translational regulator 1; plus strand). Cytogenetic location: 22q11.21.
Variant type: Insertion.
Coding change: c.2160_2161insA on transcript NM_006767.4 (MANE Select); coding-DNA positions 2160 to 2161, A inserted.
Protein change: p.Glu721fs; shifts the reading frame from glutamic acid 721.
Molecular consequence: frameshift variant.
Genome position: GRCh38 VCF-style: chr22-20996053-C-CA. GRCh37 (hg19) VCF-style: chr22-21350342-C-CA.
Other names: short protein forms E721fs.
Identifiers: ClinVar variation 2108117 (VCV002108117.4), dbSNP rs2518624615, ClinGen allele CA2580099285.

ClinVar aggregate classification (germline): Pathogenic (1 of 4 stars; one submission).

Submission:

Labcorp Genetics (formerly Invitae), Labcorp
Classification: Pathogenic. Last evaluated: 2022-03-09. Review status: criteria provided, single submitter. Criteria: Invitae Variant Classification Sherloc (09022015). Collection method: clinical testing. Allele origin: germline.
Comment: For these reasons, this variant has been classified as Pathogenic. This variant has not been reported in the literature in individuals affected with LZTR1-related conditions. This variant is not present in population databases (gnomAD no frequency). This sequence change creates a premature translational stop signal (p.Glu721Argfs*61) in the LZTR1 gene. It is expected to result in an absent or disrupted protein product. Loss-of-function variants in LZTR1 are known to be pathogenic (PMID: 24362817, 25335493, 25480913, 25795793, 29469822, 30442762, 30442766, 30481304, 30859559).

Literature cited by the submitters: PubMed 24362817; PubMed 25335493; PubMed 25480913; PubMed 25795793; PubMed 29469822; PubMed 30442762; PubMed 30442766; PubMed 30481304; PubMed 30859559.